The following is an entry in ClinVar:

ClinVar aggregate classification (germline): Pathogenic (1 of 4 stars; one submission).

Conditions:
Familial thoracic aortic aneurysm and aortic dissection (TAAD). Also called: Thoracic aortic aneurysms and dissections. Identifiers: Orphanet 91387, MedGen C4707243, MONDO:0019625.

Submission:

Labcorp Genetics (formerly Invitae), Labcorp
Classification: Pathogenic for Familial thoracic aortic aneurysm and aortic dissection. Last evaluated: 2025-06-29. Review status: criteria provided, single submitter. Criteria: Invitae Variant Classification Sherloc (09022015). Collection method: clinical testing. Allele origin: germline.
Comment: This sequence change creates a premature translational stop signal (p.Val77Cysfs*39) in the SMAD3 gene. It is expected to result in an absent or disrupted protein product. Loss-of-function variants in SMAD3 are known to be pathogenic (PMID: 21778426, 24804794). This variant is not present in population databases (gnomAD no frequency). This variant has not been reported in the literature in individuals affected with SMAD3-related conditions. ClinVar contains an entry for this variant (Variation ID: 2748641). For these reasons, this variant has been classified as Pathogenic.

Literature cited by the submitters: PubMed 21778426; PubMed 24804794.

NM_005902.4(SMAD3):c.229del (p.Val77fs)

Gene: SMAD3 (SMAD family member 3; plus strand). Cytogenetic location: 15q22.33.
Variant type: Deletion.
Coding change: c.229del on transcript NM_005902.4 (MANE Select); coding-DNA position 229, one base deleted (G; older notation c.229delG).
Protein change: p.Val77fs; shifts the reading frame from valine 77.
Molecular consequence: frameshift variant. On other transcripts: 5 prime UTR variant (3).
Genome position (GRCh38, 1-based): chr15:67,164,917, G deleted; the last of 2 consecutive G bases (chr15:67,164,916-67,164,917); deleting either gives the same sequence. VCF-style (leftmost placement, unchanged base first): chr15-67164915-AG-A. GRCh37 (hg19) VCF-style: chr15-67457253-AG-A.
Other names: c.-87del (NM_001145102.2, NM_001407015.1, NM_001407016.1); c.97del, p.Val33fs (NM_001145103.2); c.229del, p.Val77fs (NM_001407011.1, NM_001407012.1, NM_001407013.1); c.82del, p.Val28fs (NM_001407014.1); short protein forms V28fs, V33fs, V77fs.
Identifiers: ClinVar variation 2748641 (VCV002748641.3), dbSNP rs2505209286, ClinGen allele CA2697549139.
Genomic context (GRCh38, chr15:67,164,915, plus strand): 5'-CCACATTTCCCTCTCTTTCTGCCCCTCCCCGTCCTGGCAGGTCCCTGGATGGCCGGTTGC[AG>A]GTGTCCCATCGGAAGGGGCTCCCTCATGTCATCTACTGCCGCCTGTGGCGATGGCCAGAC-3'